The following is an entry in ClinVar:

NM_005157.6(ABL1):c.457G>C (p.Glu153Gln)

Gene: ABL1 (ABL proto-oncogene 1, non-receptor tyrosine kinase; plus strand). Cytogenetic location: 9q34.12.
Variant type: single nucleotide variant.
Coding change: c.457G>C on transcript NM_005157.6 (MANE Select); coding-DNA position 457, G replaced by C.
Protein change: p.Glu153Gln; replaces glutamic acid 153 with glutamine.
Molecular consequence: missense variant.
Genome position (GRCh38, 1-based): chr9:130,855,004, G>C. VCF-style: chr9-130855004-G-C. GRCh37 (hg19) VCF-style: chr9-133730391-G-C.
Other names: c.514G>C, p.Glu172Gln (NM_007313.3); short protein forms E153Q, E172Q.
Identifiers: ClinVar variation 3005082 (VCV003005082.3), dbSNP rs146963680, ClinGen allele CA200674505.

ClinVar aggregate classification (germline): Uncertain significance (1 of 4 stars; one submission).

Allele frequency attached by ClinVar (database versions not stated): gnomAD exomes below 0.00001; TOPMed 0.00001; ESP Exome Variant Server 0.00008.

Submission:

Labcorp Genetics (formerly Invitae), Labcorp
Classification: Uncertain significance. Last evaluated: 2024-06-08. Review status: criteria provided, single submitter. Criteria: Invitae Variant Classification Sherloc (09022015). Collection method: clinical testing. Allele origin: germline.
Comment: This sequence change replaces glutamic acid, which is acidic and polar, with glutamine, which is neutral and polar, at codon 172 of the ABL1 protein (p.Glu172Gln). This variant is present in population databases (rs146963680, gnomAD 0.0009%). This variant has not been reported in the literature in individuals affected with ABL1-related conditions. Advanced modeling of protein sequence and biophysical properties (such as structural, functional, and spatial information, amino acid conservation, physicochemical variation, residue mobility, and thermodynamic stability) has been performed at Invitae for this missense variant, however the output from this modeling did not meet the statistical confidence thresholds required to predict the impact of this variant on ABL1 protein function. Experimental studies have shown that this missense change does not substantially affect ABL1 function (PMID: 7678409). In summary, the available evidence is currently insufficient to determine the role of this variant in disease. Therefore, it has been classified as a Variant of Uncertain Significance.

Literature cited by the submitters: PubMed 7678409.